The following is an entry in ClinVar:

ClinVar aggregate classification (germline): Uncertain significance. Review status: criteria provided, multiple submitters, no conflicts (2 of 4 stars). 2 submissions from 2 submitters: Uncertain significance (2). Last evaluated 2023-12-18.

Allele frequency attached by ClinVar (database versions not stated): gnomAD 0.00001.
gnomAD v4.1: 1 of 1,612,332 alleles (0.000062%); highest among the groups gnomAD compares: African/African-American, 0.0013%; no homozygotes.

Submissions (2):

Labcorp Genetics (formerly Invitae), Labcorp
Classification: Uncertain significance. Last evaluated: 2023-12-18. Review status: criteria provided, single submitter. Criteria: Invitae Variant Classification Sherloc (09022015). Collection method: clinical testing. Allele origin: germline.
Comment: This sequence change replaces aspartic acid, which is acidic and polar, with asparagine, which is neutral and polar, at codon 469 of the RINT1 protein (p.Asp469Asn). This variant is not present in population databases (gnomAD no frequency). This variant has not been reported in the literature in individuals affected with RINT1-related conditions. ClinVar contains an entry for this variant (Variation ID: 2447164). An algorithm developed to predict the effect of missense changes on protein structure and function (PolyPhen-2) suggests that this variant is likely to be disruptive. In summary, the available evidence is currently insufficient to determine the role of this variant in disease. Therefore, it has been classified as a Variant of Uncertain Significance.

Ambry Genetics
Classification: Uncertain significance. Last evaluated: 2023-01-19. Review status: criteria provided, single submitter. Criteria: Ambry Variant Classification Scheme 2023. Collection method: clinical testing. Allele origin: germline.
Comment: The p.D469N variant (also known as c.1405G>A), located in coding exon 10 of the RINT1 gene, results from a G to A substitution at nucleotide position 1405. The aspartic acid at codon 469 is replaced by asparagine, an amino acid with highly similar properties. This amino acid position is conserved. In addition, this alteration is predicted to be tolerated by in silico analysis. Since supporting evidence is limited at this time, the clinical significance of this alteration remains unclear.

NM_021930.6(RINT1):c.1405G>A (p.Asp469Asn)

Gene: RINT1 (RAD50 interactor 1; plus strand). Cytogenetic location: 7q22.3.
Variant type: single nucleotide variant.
Coding change: c.1405G>A on transcript NM_021930.6 (MANE Select); coding-DNA position 1405, G replaced by A.
Protein change: p.Asp469Asn; replaces aspartic acid 469 with asparagine.
Molecular consequence: missense variant. On other transcripts: non-coding transcript variant (1).
Genome position (GRCh38, 1-based): chr7:105,551,641, G>A. VCF-style: chr7-105551641-G-A. GRCh37 (hg19) VCF-style: chr7-105192088-G-A.
Other names: c.1171G>A, p.Asp391Asn (NM_001346599.2); c.382G>A, p.Asp128Asn (NM_001346600.2, NM_001346603.2); c.481G>A, p.Asp161Asn (NM_001346601.2); short protein forms D128N, D469N, D391N, D161N.
Identifiers: ClinVar variation 2447164 (VCV002447164.5), dbSNP rs1295690900, ClinGen allele CA368810152.